The following is an entry in ClinVar:

ClinVar aggregate classification (germline): Uncertain significance (1 of 4 stars; one submission).

Conditions:
Encephalopathy, acute, infection-induced (herpes-specific), susceptibility to, 1. Also called: Herpes simplex encephalitis, susceptibility to, 1. Identifiers: Orphanet 1930, MedGen C2750180, MONDO:0024563, OMIM 610551.

Submission:

Labcorp Genetics (formerly Invitae), Labcorp
Classification: Uncertain significance for Encephalopathy, acute, infection-induced (herpes-specific), susceptibility to, 1. Last evaluated: 2025-10-27. Review status: criteria provided, single submitter. Criteria: Invitae Variant Classification Sherloc (09022015). Collection method: clinical testing. Allele origin: germline.
Comment: This sequence change replaces asparagine, which is neutral and polar, with lysine, which is basic and polar, at codon 229 of the TLR3 protein (p.Asn229Lys). This variant is not present in population databases (gnomAD no frequency). This variant has not been reported in the literature in individuals affected with TLR3-related conditions. An algorithm developed to predict the effect of missense changes on protein structure and function (PolyPhen-2) suggests that this variant is likely to be disruptive. In summary, the available evidence is currently insufficient to determine the role of this variant in disease. Therefore, it has been classified as a Variant of Uncertain Significance.

NM_003265.3(TLR3):c.687C>A (p.Asn229Lys)

Gene: TLR3 (toll like receptor 3; plus strand). Cytogenetic location: 4q35.1.
Variant type: single nucleotide variant.
Coding change: c.687C>A on transcript NM_003265.3 (MANE Select); coding-DNA position 687, C replaced by A.
Protein change: p.Asn229Lys; replaces asparagine 229 with lysine.
Molecular consequence: missense variant.
Genome position (GRCh38, 1-based): chr4:186,082,373, C>A. VCF-style: chr4-186082373-C-A. GRCh37 (hg19) VCF-style: chr4-187003527-C-A.
Other names: short protein forms N229K.
Identifiers: ClinVar variation 4730051 (VCV004730051.1).